The following is an entry in ClinVar:

ClinVar aggregate classification (germline): Uncertain significance (1 of 4 stars; one submission).

Conditions:
Fanconi anemia complementation group J. Also called: BRIP1-Related Fanconi Anemia. Identifiers: Orphanet 84, MedGen C1836860, MONDO:0012187, OMIM 609054.
Familial cancer of breast. Also called: BREAST CANCER, FAMILIAL; Hereditary breast cancer; hereditary breast carcinoma. Identifiers: Orphanet 227535, MedGen C0346153, MONDO:0016419, OMIM 114480. Disease mechanism: loss of function.

Submission:

Labcorp Genetics (formerly Invitae), Labcorp
Classification: Uncertain significance for Familial cancer of breast; Fanconi anemia complementation group J. Last evaluated: 2023-08-17. Review status: criteria provided, single submitter. Criteria: Invitae Variant Classification Sherloc (09022015). Collection method: clinical testing. Allele origin: germline.
Comment: This variant has not been reported in the literature in individuals affected with BRIP1-related conditions. In summary, the available evidence is currently insufficient to determine the role of this variant in disease. Therefore, it has been classified as a Variant of Uncertain Significance. Algorithms developed to predict the effect of missense changes on protein structure and function output the following: SIFT: "Not Available"; PolyPhen-2: "Benign"; Align-GVGD: "Not Available". The valine amino acid residue is found in multiple mammalian species, which suggests that this missense change does not adversely affect protein function. This variant is not present in population databases (gnomAD no frequency). This sequence change replaces alanine, which is neutral and non-polar, with valine, which is neutral and non-polar, at codon 1150 of the BRIP1 protein (p.Ala1150Val).

NM_032043.3(BRIP1):c.3449C>T (p.Ala1150Val)

Gene: BRIP1 (BRCA1 interacting DNA helicase 1; minus strand). Cytogenetic location: 17q23.2.
Variant type: single nucleotide variant.
Coding change: c.3449C>T on transcript NM_032043.3 (MANE Select); coding-DNA position 3449, C replaced by T.
Protein change: p.Ala1150Val; replaces alanine 1150 with valine.
Molecular consequence: missense variant.
Genome position (GRCh38, 1-based): chr17:61,683,597, G>A on the plus strand (C>T on the coding strand, the complement: BRIP1 is on the minus strand). VCF-style: chr17-61683597-G-A. GRCh37 (hg19) VCF-style: chr17-59760958-G-A.
Other names: short protein forms A1150V.
Identifiers: ClinVar variation 2951069 (VCV002951069.3), dbSNP rs1064796059, ClinGen allele CA400478701.